The following is an entry in ClinVar:

ClinVar aggregate classification (germline): Uncertain significance (1 of 4 stars; one submission).

Conditions:
Tuberous sclerosis 2 (TSC2). Identifiers: Orphanet 805, MedGen C1860707, MONDO:0013199, OMIM 613254.

Submission:

Labcorp Genetics (formerly Invitae), Labcorp
Classification: Uncertain significance for Tuberous sclerosis 2. Last evaluated: 2021-01-27. Review status: criteria provided, single submitter. Criteria: Invitae Variant Classification Sherloc (09022015). Collection method: clinical testing. Allele origin: germline.
Comment: In summary, the available evidence is currently insufficient to determine the role of this variant in disease. Therefore, it has been classified as a Variant of Uncertain Significance. Advanced modeling of protein sequence and biophysical properties (such as structural, functional, and spatial information, amino acid conservation, physicochemical variation, residue mobility, and thermodynamic stability) performed at Invitae indicates that this missense variant is not expected to disrupt TSC2 protein function. This variant has not been reported in the literature in individuals with TSC2-related conditions. This variant is not present in population databases (ExAC no frequency). This sequence change replaces glutamic acid with glycine at codon 715 of the TSC2 protein (p.Glu715Gly). The glutamic acid residue is moderately conserved and there is a moderate physicochemical difference between glutamic acid and glycine.

NM_000548.5(TSC2):c.2144A>G (p.Glu715Gly)

Gene: TSC2 (TSC complex subunit 2; plus strand). Cytogenetic location: 16p13.3.
Variant type: single nucleotide variant.
Coding change: c.2144A>G on transcript NM_000548.5 (MANE Select); coding-DNA position 2144, A replaced by G.
Protein change: p.Glu715Gly; replaces glutamic acid 715 with glycine.
Molecular consequence: missense variant.
Genome position (GRCh38, 1-based): chr16:2,072,287, A>G. VCF-style: chr16-2072287-A-G. GRCh37 (hg19) VCF-style: chr16-2122288-A-G.
Other names: c.2144A>G, p.Glu715Gly (NM_001077183.3, NM_001114382.3, NM_001363528.2 and 3 more transcripts); c.2033A>G, p.Glu678Gly (NM_001318827.2); c.1997A>G, p.Glu666Gly (NM_001318829.2); c.1544A>G, p.Glu515Gly (NM_001318831.2); c.2177A>G, p.Glu726Gly (NM_001318832.2); short protein forms E515G, E666G, E678G, E715G, E726G.
Identifiers: ClinVar variation 1518718 (VCV001518718.8), dbSNP rs763351805, ClinGen allele CA394274837.